The following is an entry in ClinVar:

NM_000277.3(PAH):c.490A>G (p.Ile164Val)

Gene: PAH (phenylalanine hydroxylase; minus strand). Cytogenetic location: 12q23.2.
Variant type: single nucleotide variant.
Coding change: c.490A>G on transcript NM_000277.3 (MANE Select); coding-DNA position 490, A replaced by G.
Protein change: p.Ile164Val; replaces isoleucine 164 with valine.
Molecular consequence: missense variant.
Genome position (GRCh38, 1-based): chr12:102,866,615, T>C on the plus strand (A>G on the coding strand, the complement: PAH is on the minus strand). VCF-style: chr12-102866615-T-C. GRCh37 (hg19) VCF-style: chr12-103260393-T-C.
Other names: NM_000277.2(PAH):c.490A>G; c.490A>G (NM_000277.2); c.490A>G, p.Ile164Val (NM_001354304.2); short protein forms I164V.
Identifiers: ClinVar variation 102698 (VCV000102698.24), dbSNP rs199475647, ClinGen allele CA229576.

ClinVar aggregate classification (germline): Likely pathogenic. Review status: reviewed by expert panel (3 of 4 stars). 9 submissions from 9 submitters: Likely pathogenic (1). 8 of the submissions do not count toward it. Last evaluated 2018-08-13.

Conditions:
Phenylketonuria (PKU). Also called: Phenylketonuria (PKU); FOLLING DISEASE; OLIGOPHRENIA PHENYLPYRUVICA; Phenylketonurias. Identifiers: Orphanet 716, MedGen C0031485, MONDO:0009861, OMIM 261600. Disease mechanism: loss of function.
6-Pyruvoyl-tetrahydrobiopterin synthase deficiency. Also called: 6-Pyruvoyltetrahydropterin Synthase Deficiency; Hyperphenylalanemia, BH4-deficient, A; Hyperphenylalaninemia due to 6-pyruvoyl-tetrahydropterin synthase deficiency; PTS-Related Tetrahydrobiopterin Deficiency; HYPERPHENYLALANINEMIA, TETRAHYDROBIOPTERIN-DEFICIENT, DUE TO PTS DEFICIENCY; BH4-deficient hyperphenylalaninemia A. Identifiers: Orphanet 13, Orphanet 238583, MedGen C0878676, MONDO:0009863, OMIM 261640.

Allele frequency attached by ClinVar (database versions not stated): gnomAD 0.00001; ExAC 0.00002; TOPMed 0.00002; gnomAD exomes 0.00001 and 0.00002.
gnomAD v4.1: 21 of 1,613,666 alleles (0.0013%); highest among the groups gnomAD compares: South Asian, 0.0044%; no homozygotes.

Submissions (9):

ClinGen PAH Variant Curation Expert Panel
Classification: Likely pathogenic for Phenylketonuria. Last evaluated: 2018-08-13. Review status: reviewed by expert panel. Criteria: ClinGen PAH ACMG Specifications v1. Collection method: curation. Allele origin: germline. Inheritance: Autosomal recessive inheritance.
Comment: PAH-specific ACMG/AMP criteria applied: PM2: ExAC MAF: 0.00012; PP4_Moderate: Detected in patients with PKU/HPA. BH4 deficiency excluded. (PMID:11244681; PMID:23942198); PM3_Strong: Detected with D145V, A403V (Pathogenic) (PMID:11244681; PMID:23942198). In summary this variant meets criteria to be classified as likely pathogenic for phenylketonuria in an autosomal recessive manner based on the ACMG/AMP criteria applied as specified by the PAH Expert Panel: (PM2, PP4_Moderate, PM3_Strong).

OLLIN Analises Genomicas, OLLIN
Classification: Likely pathogenic for Phenylketonuria. Last evaluated: 2026-02-13. Review status: criteria provided, single submitter. Criteria: ACMG Guidelines 2015 PMID 25741868. Collection method: clinical testing. Allele origin: germline. Observed: 1 variant allele. Not counted in ClinVar's aggregate classification.
Comment: PM2_P, PM3_S, PP4_M

Natera, Inc.
Classification: Pathogenic for Phenylketonuria. Last evaluated: 2025-11-05. Review status: criteria provided, single submitter. Criteria: Natera Variant Classification Schema (03/2026). Collection method: clinical testing. Allele origin: germline. Not counted in ClinVar's aggregate classification.
Comment: The c.490A>G variant in PAH is a missense variant predicted to cause substitution of isoleucine to valine at amino acid 164. This variant is rare in the general population with a frequency below the threshold expected for the associated phenotype(s). This variant has been observed in one or more individuals affected with the associated recessive disease, as either homozygous or compound heterozygous with a second variant (PMID: 23942198, 33465300). A different variant at the same position has been determined to be Pathogenic or Likely Pathogenic. Computational prediction algorithms indicate this variant is likely to affect gene or protein function. Given the available evidence, this variant is classified as Pathogenic.

GeneDx
Classification: Likely pathogenic. Last evaluated: 2025-01-02. Review status: criteria provided, single submitter. Criteria: GeneDx Variant Classification Process June 2021. Collection method: clinical testing. Allele origin: germline. Affected: yes. Not counted in ClinVar's aggregate classification.
Comment: Not observed at significant frequency in large population cohorts (gnomAD); In silico analysis indicates that this missense variant does not alter protein structure/function; This variant is associated with the following publications: (PMID: 31589614, 10598814, 23942198, 32668217, 29499199, 27121329, 33465300, 34440436)

Labcorp Genetics (formerly Invitae), Labcorp
Classification: Pathogenic for Phenylketonuria. Last evaluated: 2024-11-11. Review status: criteria provided, single submitter. Criteria: Invitae Variant Classification Sherloc (09022015). Collection method: clinical testing. Allele origin: germline. Not counted in ClinVar's aggregate classification.
Comment: This sequence change replaces isoleucine, which is neutral and non-polar, with valine, which is neutral and non-polar, at codon 164 of the PAH protein (p.Ile164Val). This variant is present in population databases (rs199475647, gnomAD 0.006%). This missense change has been observed in individual(s) with hyperphenylalaninemia (PMID: 11244681, 23942198, 27121329; internal data). In at least one individual the data is consistent with being in trans (on the opposite chromosome) from a pathogenic variant. ClinVar contains an entry for this variant (Variation ID: 102698). Invitae Evidence Modeling of protein sequence and biophysical properties (such as structural, functional, and spatial information, amino acid conservation, physicochemical variation, residue mobility, and thermodynamic stability) indicates that this missense variant is not expected to disrupt PAH protein function with a negative predictive value of 80%. This variant disrupts the p.Ile164 amino acid residue in PAH. Other variant(s) that disrupt this residue have been determined to be pathogenic (PMID: 7833954, 9634518, 17502162, 26666653, 27578510). This suggests that this residue is clinically significant, and that variants that disrupt this residue are likely to be disease-causing. For these reasons, this variant has been classified as Pathogenic.

Women's Health and Genetics/Laboratory Corporation of America, LabCorp
Classification: Pathogenic for 6-Pyruvoyl-tetrahydrobiopterin synthase deficiency. Last evaluated: 2023-01-27. Review status: criteria provided, single submitter. Criteria: LabCorp Variant Classification Summary - May 2015. Collection method: clinical testing. Allele origin: germline. Not counted in ClinVar's aggregate classification.
Comment: Variant summary: PAH c.490A>G (p.Ile164Val) results in a conservative amino acid change located in the aromatic amino acid hydroxylase, C-terminal domain (IPR019774) of the encoded protein sequence. Three of five in-silico tools predict a damaging effect of the variant on protein function. The variant allele was found at a frequency of 1.6e-05 in 251370 control chromosomes (gnomAD). c.490A>G has been reported in the literature in the compound heterozygous state in multiple individuals affected with hyperphenylalaninemia/phenylketonuria (e.g. Mallolas_1999, Trujillano_2014, Wang_2018, Ferreira_2021) . These data indicate that the variant is very likely to be associated with disease. To our knowledge, no experimental evidence demonstrating an impact on protein function has been reported. Four submitters, including the ClinGen PAH Variant Curation Expert Panel, have provided clinical-significance assessments for this variant to ClinVar after 2014 and all classified the variant as either pathogenic (n=2) or likely pathogenic (n=2). Based on the evidence outlined above, the variant was classified as pathogenic.

Laboratorio de Genetica e Diagnostico Molecular, Hospital Israelita Albert Einstein
Classification: Likely pathogenic. Last evaluated: 2021-12-30. Review status: criteria provided, single submitter. Criteria: ACMG Guidelines, 2015. Collection method: clinical testing. Allele origin: germline. Affected: yes. Not counted in ClinVar's aggregate classification.
Comment: ACMG classification criteria: PM2, PM3, PP4

Fulgent Genetics
Classification: Pathogenic for Phenylketonuria. Last evaluated: 2021-10-16. Review status: criteria provided, single submitter. Criteria: ACMG Guidelines, 2015. Collection method: clinical testing. Allele origin: unknown. Not counted in ClinVar's aggregate classification.

DeBelle Laboratory for Biochemical Genetics, MUHC/MCH RESEARCH INSTITUTE
No classification provided. Review status: no classification provided. Collection method: not provided. Allele origin: not provided. Not counted in ClinVar's aggregate classification.

Literature cited by the submitters: PubMed 23942198 (cited by 4 submitters); PubMed 11244681 (cited by ClinGen PAH Variant Curation Expert Panel and Labcorp Genetics (formerly Invitae), Labcorp); PubMed 33465300 (cited by Natera, Inc. and Women's Health and Genetics/Laboratory Corporation of America, LabCorp); PubMed 27121329 (cited by Labcorp Genetics (formerly Invitae), Labcorp); PubMed 7833954 (cited by Labcorp Genetics (formerly Invitae), Labcorp); PubMed 9634518 (cited by Labcorp Genetics (formerly Invitae), Labcorp); PubMed 17502162 (cited by Labcorp Genetics (formerly Invitae), Labcorp); PubMed 26666653 (cited by Labcorp Genetics (formerly Invitae), Labcorp); PubMed 27578510 (cited by Labcorp Genetics (formerly Invitae), Labcorp); PubMed 29499199 (cited by Women's Health and Genetics/Laboratory Corporation of America, LabCorp); PubMed 10598814 (cited by Women's Health and Genetics/Laboratory Corporation of America, LabCorp).